The following is an entry in ClinVar:

NM_000038.6(APC):c.3419C>G (p.Pro1140Arg)

Gene: APC (APC regulator of Wnt signaling pathway; plus strand). Cytogenetic location: 5q22.2.
Variant type: single nucleotide variant.
Coding change: c.3419C>G on transcript NM_000038.6 (MANE Select); coding-DNA position 3419, C replaced by G.
Protein change: p.Pro1140Arg; replaces proline 1140 with arginine.
Molecular consequence: missense variant.
Genome position (GRCh38, 1-based): chr5:112,839,013, C>G. VCF-style: chr5-112839013-C-G. GRCh37 (hg19) VCF-style: chr5-112174710-C-G.
Other names: c.3419C>G, p.Pro1140Arg (NM_001127510.3, NM_001354895.2); c.3365C>G, p.Pro1122Arg (NM_001127511.3); c.3473C>G, p.Pro1158Arg (NM_001354896.2); c.3449C>G, p.Pro1150Arg (NM_001354897.2); c.3344C>G, p.Pro1115Arg (NM_001354898.2); c.3335C>G, p.Pro1112Arg (NM_001354899.2); c.3296C>G, p.Pro1099Arg (NM_001354900.2); c.3242C>G, p.Pro1081Arg (NM_001354901.2); and 5 more; short protein forms P1122R, P1140R, P1014R, P980R, P1158R, P857R, P1049R, P1099R.
Identifiers: ClinVar variation 411525 (VCV000411525.26), dbSNP rs1060503351, ClinGen allele CA16028829.

ClinVar aggregate classification (germline): Conflicting classifications of pathogenicity. Review status: criteria provided, conflicting classifications (1 of 4 stars). 8 submissions from 8 submitters: Uncertain significance (7); Benign (1). Last evaluated 2026-02-11.

Conditions:
Classic or attenuated familial adenomatous polyposis. Identifiers: MedGen CN372698, MONDO:0021057.
Familial adenomatous polyposis 1 (FAP1). Also called: FAMILIAL ADENOMATOUS POLYPOSIS 1, ATTENUATED; POLYPOSIS, ADENOMATOUS INTESTINAL. Identifiers: MedGen C2713442, MONDO:0021056, OMIM 175100. Disease mechanism: loss of function.
Hereditary cancer-predisposing syndrome. Also called: Tumor predisposition; Hereditary Cancer Syndrome; Hereditary neoplastic syndrome; Neoplastic Syndromes, Hereditary. Identifiers: Orphanet 140162, MedGen C0027672, MeSH D009386, MONDO:0015356.

Allele frequency attached by ClinVar (database versions not stated): TOPMed below 0.00001; gnomAD 0.00001; gnomAD exomes 0.00001.
gnomAD v4.1: 11 of 1,613,820 alleles (0.00068%); highest among the groups gnomAD compares: South Asian, 0.0033%; no homozygotes.

Submissions (8):

St. Jude Molecular Pathology, St. Jude Children's Research Hospital
Classification: Uncertain significance for Familial adenomatous polyposis 1. Last evaluated: 2026-02-11. Review status: criteria provided, single submitter. Criteria: St. Jude Assertion Criteria 2020. Collection method: clinical testing. Allele origin: germline.
Comment: The APC c.3419C>G p.(Pro1140Arg) missense change has a maximum subpopulation frequency of 0.0066% in gnomAD v2.1.1. The in silico tool REVEL predicts a deleterious effect on protein function, but to our knowledge this prediction has not been confirmed by functional studies. To our knowledge, this variant has not been reported in individuals with APC-related familial adenomatous polyposis. In summary, the evidence currently available is insufficient to determine the clinical significance of this variant. It has therefore been classified as of uncertain significance.

Color Diagnostics, LLC DBA Color Health
Classification: Uncertain significance for Hereditary cancer-predisposing syndrome. Last evaluated: 2025-11-04. Review status: criteria provided, single submitter. Criteria: ACMG Guidelines, 2015. Collection method: clinical testing. Allele origin: germline.
Comment: This missense variant replaces proline with arginine at codon 1140 of the APC protein. Computational prediction suggests that this variant may have deleterious impact on protein structure and function. APC is defined as a gene for which primarily truncating variants are known to cause disease (ClinGen HCCP VCEP). To our knowledge, functional studies have not been reported for this variant. This variant has not been reported in individuals affected with APC-related disorders in the literature. This variant has been identified in 11/1613820 chromosomes in the general population by the Genome Aggregation Database (gnomAD). The available evidence is insufficient to determine the role of this variant in disease conclusively. Therefore, this variant is classified as a Variant of Uncertain Significance.

Labcorp Genetics (formerly Invitae), Labcorp
Classification: Uncertain significance for Familial adenomatous polyposis 1. Last evaluated: 2024-11-22. Review status: criteria provided, single submitter. Criteria: Invitae Variant Classification Sherloc (09022015). Collection method: clinical testing. Allele origin: germline.
Comment: This sequence change replaces proline, which is neutral and non-polar, with arginine, which is basic and polar, at codon 1140 of the APC protein (p.Pro1140Arg). This variant is present in population databases (no rsID available, gnomAD 0.006%). This variant has not been reported in the literature in individuals affected with APC-related conditions. ClinVar contains an entry for this variant (Variation ID: 411525). Invitae Evidence Modeling of protein sequence and biophysical properties (such as structural, functional, and spatial information, amino acid conservation, physicochemical variation, residue mobility, and thermodynamic stability) has been performed for this missense variant. However, the output from this modeling did not meet the statistical confidence thresholds required to predict the impact of this variant on APC protein function. In summary, the available evidence is currently insufficient to determine the role of this variant in disease. Therefore, it has been classified as a Variant of Uncertain Significance.

Ambry Genetics
Classification: Benign for Hereditary cancer-predisposing syndrome. Last evaluated: 2024-10-08. Review status: criteria provided, single submitter. Criteria: Ambry Variant Classification Scheme 2023. Collection method: clinical testing. Allele origin: germline.

GeneDx
Classification: Uncertain significance. Last evaluated: 2024-02-12. Review status: criteria provided, single submitter. Criteria: GeneDx Variant Classification Process June 2021. Collection method: clinical testing. Allele origin: germline. Affected: yes.
Comment: Not observed at significant frequency in large population cohorts (gnomAD); In silico analysis supports that this missense variant has a deleterious effect on protein structure/function; Has not been previously published as pathogenic or benign to our knowledge; This variant is associated with the following publications: (PMID: 18199528)

Baylor Genetics
Classification: Uncertain significance for Familial adenomatous polyposis 1. Last evaluated: 2023-07-13. Review status: criteria provided, single submitter. Criteria: ACMG Guidelines, 2015. Collection method: clinical testing. Allele origin: unknown.

All of Us Research Program, National Institutes of Health
Classification: Uncertain significance for Classic or attenuated familial adenomatous polyposis. Last evaluated: 2023-04-15. Review status: criteria provided, single submitter. Criteria: ACMG Guidelines, 2015. Collection method: clinical testing. Allele origin: germline. Inheritance: Autosomal dominant inheritance. Observed: 1 variant allele, 1 heterozygote.
Comment: This missense variant replaces proline with arginine at codon 1140 of the APC protein. Computational prediction suggests that this variant may have deleterious impact on protein structure and function (internally defined REVEL score threshold >= 0.7, PMID: 27666373). Splice site prediction tools suggest that this variant may not impact RNA splicing. To our knowledge, functional studies have not been performed for this variant. This variant has not been reported in individuals affected with hereditary cancer in the literature. This variant has been identified in 2/250948 chromosomes in the general population by the Genome Aggregation Database (gnomAD). The available evidence is insufficient to determine the role of this variant in disease conclusively. Therefore, this variant is classified as a Variant of Uncertain Significance.

This study involves interpretation of variants in research participants for the purpose of population health screening. Participant phenotype was not available at the time of variant classification. Additional details can be found in publication PMID: 35346344, PMCID: PMC8962531

Laboratorio de Genetica e Diagnostico Molecular, Hospital Israelita Albert Einstein
Classification: Uncertain significance for Familial adenomatous polyposis 1. Last evaluated: 2023-01-20. Review status: criteria provided, single submitter. Criteria: ACMG Guidelines, 2015. Collection method: clinical testing. Allele origin: germline. Affected: yes.
Comment: ACMG classification criteria: PM2 supporting, PP3 supporting